The following is an entry in ClinVar:

ClinVar aggregate classification (germline): Likely benign (0 of 4 stars; one submission).

Conditions:
GALNS-related disorder. Also called: GALNS-related condition.

Submission:

PreventionGenetics, part of Exact Sciences
Classification: Likely benign for GALNS-related condition. Last evaluated: 2019-10-14. Review status: no assertion criteria provided. Collection method: clinical testing. Allele origin: germline.
Comment: This variant is classified as likely benign based on ACMG/AMP sequence variant interpretation guidelines (Richards et al. 2015 PMID: 25741868, with internal and published modifications).

NM_000512.5(GALNS):c.121-202_121-150del

Gene: GALNS (galactosamine (N-acetyl)-6-sulfatase; minus strand). Cytogenetic location: 16q24.3.
Variant type: Deletion.
Coding change: c.121-202_121-150del on transcript NM_000512.5 (MANE Select); 202 bases into the intron before coding-DNA position 121 through 150 bases into the intron before coding-DNA position 121, 53 bases deleted.
Molecular consequence: intron variant. On other transcripts: splice donor variant (1).
Genome position (GRCh38, 1-based): chr16:88,842,979-88,843,031, 53 bases deleted. GRCh37 (hg19): chr16:88,909,427-88,909,479.
Other names: c.-311-1060_-311-1008del (NM_001323543.2); c.137_138+51del (NM_001323544.2).
Identifiers: ClinVar variation 3035483 (VCV003035483.2), dbSNP rs1567538374, ClinGen allele CA624208118.